The following is an entry in ClinVar:

1p36.33 deletion (0.48 Mb)

Gene: AGRN (agrin; plus strand). Cytogenetic location: 1p36.33.
Variant type: Deletion.
Identifiers: ClinVar variation 243041 (VCV000243041.1).

ClinVar aggregate classification (germline): Pathogenic (0 of 4 stars; one submission).

Conditions:
Congenital myasthenic syndrome (CMS). Also called: Congenital Myasthenic Syndromes. Identifiers: Orphanet 590, MedGen C0751882, MeSH D020294, MONDO:0018940.

Submission:

GeneReviews
Classification: Pathogenic for Congenital myasthenic syndrome. Last evaluated: 2016-07-14. Review status: no assertion criteria provided. Collection method: literature only. Allele origin: germline. Affected: yes.
Comment: 0.48-Mb deletion encompassing all of AGRN

Literature cited by the submitters: PubMed 24951643.